The following is an entry in ClinVar:

NM_000155.4(GALT):c.44C>T (p.Ser15Leu)

Gene: GALT (galactose-1-phosphate uridylyltransferase; plus strand). Cytogenetic location: 9p13.3.
Variant type: single nucleotide variant.
Coding change: c.44C>T on transcript NM_000155.4 (MANE Select); coding-DNA position 44, C replaced by T.
Protein change: p.Ser15Leu; replaces serine 15 with leucine.
Molecular consequence: missense variant. On other transcripts: 5 prime UTR variant (1).
Genome position (GRCh38, 1-based): chr9:34,646,748, C>T. VCF-style: chr9-34646748-C-T. GRCh37 (hg19) VCF-style: chr9-34646745-C-T.
Other names: NM_000155.4(GALT):c.44C>T; p.Ser15Leu; c.-159C>T (NM_001258332.2); c.44C>T (NM_000155.2); short protein forms S15L.
Identifiers: ClinVar variation 1129465 (VCV001129465.11), dbSNP rs759270191, ClinGen allele CA5035994.

ClinVar aggregate classification (germline): Uncertain significance. Review status: reviewed by expert panel (3 of 4 stars). 4 submissions from 4 submitters: Uncertain significance (1). 3 of the submissions do not count toward it. Last evaluated 2026-04-14.

Conditions:
Galactosemia. Also called: Galactose intolerance. Identifiers: Orphanet 352, MedGen C0016952, MONDO:0018116, HP:0004919. Disease mechanism: loss of function.
Inborn genetic diseases. Identifiers: MedGen C0950123, MeSH D030342.
Deficiency of UDPglucose-hexose-1-phosphate uridylyltransferase. Also called: Transferase Deficiency Galactosemia; GALACTOSE-1-PHOSPHATE URIDYLYLTRANSFERASE DEFICIENCY; GALACTOSEMIA I; GALT deficiency; Galactosemia, classic. Identifiers: Orphanet 352, Orphanet 79239, MedGen C0268151, MONDO:0009258, OMIM 230400.

Allele frequency attached by ClinVar (database versions not stated): gnomAD 0.00004 and 0.00005; TOPMed 0.00004; gnomAD exomes 0.00007 and 0.00013; ExAC 0.00010.
gnomAD v4.1: 199 of 1,613,518 alleles (0.012%); highest among the groups gnomAD compares: Non-Finnish European, 0.015%; no homozygotes.

Submissions (4):

Clingen Galactosemia Variant Curation Expert Panel, ClinGen
Classification: Uncertain significance for Galactosemia. Last evaluated: 2026-04-14. Review status: reviewed by expert panel. Criteria: ClinGen Galactosemia ACMG Specifications GALT V1.1. Collection method: curation. Allele origin: germline. Inheritance: Autosomal recessive inheritance.
Comment: The c.44C>T variant in GALT is a missense variant predicted to cause substitution of serine by leucine at amino acid 15 (p.Ser15Leu). This variant has not been reported in the literature to our knowledge. The filtering allele frequency (the upper threshold of the 95% CI of 199/1613518) of the c.44C>T variant in GALT is 0.0001333 in the European (Non-Finnish) by gnomAD v4, which is lower than the ClinGen Galactosemia threshold (≤ 0.0005) for PM2_Supporting, and therefore meets this criterion (PM2_Supporting). The computational predictor REVEL gives a SCORE of 0.4, which is below the threshold of 0.7, evidence that correlates with uncertain impact to GALT function. In summary, this variant meets the criteria to be classified as uncertain significance for galactosemia based on the ACMG/AMP criteria applied, as specified by the ClinGen Galactosemia VCEP: PM2_supporting (GALT specifications version 1.0).

Labcorp Genetics (formerly Invitae), Labcorp
Classification: Likely benign for Deficiency of UDPglucose-hexose-1-phosphate uridylyltransferase. Last evaluated: 2026-01-26. Review status: criteria provided, single submitter. Criteria: Invitae Variant Classification Sherloc (09022015). Collection method: clinical testing. Allele origin: germline. Not counted in ClinVar's aggregate classification.

Ambry Genetics
Classification: Uncertain significance for Inborn genetic diseases. Last evaluated: 2025-08-21. Review status: criteria provided, single submitter. Criteria: Ambry Variant Classification Scheme 2023. Collection method: clinical testing. Allele origin: germline. Not counted in ClinVar's aggregate classification.

Women's Health and Genetics/Laboratory Corporation of America, LabCorp
Classification: Uncertain significance. Last evaluated: 2022-06-22. Review status: criteria provided, single submitter. Criteria: LabCorp Variant Classification Summary - May 2015. Collection method: clinical testing. Allele origin: germline. Not counted in ClinVar's aggregate classification.
Comment: Variant summary: GALT c.44C>T (p.Ser15Leu) results in a non-conservative amino acid change in the encoded protein sequence. Four of five in-silico tools predict a damaging effect of the variant on protein function. The variant allele was found at a frequency of 7.2e-05 in 250042 control chromosomes (gnomAD). This frequency is not significantly higher than expected for a pathogenic variant in GALT causing Galactosemia (7.2e-05 vs 0.0029), allowing no conclusion about variant significance. To our knowledge, no occurrence of c.44C>T in individuals affected with Galactosemia and no experimental evidence demonstrating its impact on protein function have been reported. One clinical diagnostic laboratory has submitted clinical-significance assessments for this variant to ClinVar after 2014 and classified the variant as likely benign. Based on the evidence outlined above, the variant was classified as uncertain significance.